The following is an entry in ClinVar:

NM_000152.5(GAA):c.2040+4G>C

Gene: GAA (alpha glucosidase; plus strand). Cytogenetic location: 17q25.3.
Variant type: single nucleotide variant.
Coding change: c.2040+4G>C on transcript NM_000152.5 (MANE Select); 4 bases into the intron after coding-DNA position 2040, G replaced by C.
Molecular consequence: intron variant.
Genome position (GRCh38, 1-based): chr17:80,113,031, G>C. VCF-style: chr17-80113031-G-C. GRCh37 (hg19) VCF-style: chr17-78086830-G-C.
Other names: c.2040+4G>C (LRG_673t1, NM_001079803.3, NM_001079804.3).
Identifiers: ClinVar variation 658799 (VCV000658799.6), dbSNP rs1598585909, ClinGen allele CA915952254.

ClinVar aggregate classification (germline): Uncertain significance. Review status: criteria provided, single submitter (1 of 4 stars). 2 submissions from 2 submitters: Uncertain significance (1). 1 of the submissions does not count toward it. Last evaluated 2019-07-19.

Conditions:
Glycogen storage disease, type II (IOPD). Also called: Pompe Disease; GAA DEFICIENCY, INFANTILE-ONSET; ACID MALTASE DEFICIENCY, INFANTILE-ONSET; GLYCOGENOSIS, GENERALIZED, CARDIAC FORM; GSD II; Glucosidase acid-1,4-alpha deficiency. Identifiers: Orphanet 365, MedGen C0017921, MONDO:0009290, OMIM 232300.

Submissions (2):

Labcorp Genetics (formerly Invitae), Labcorp
Classification: Uncertain significance for Glycogen storage disease, type II. Last evaluated: 2019-07-19. Review status: criteria provided, single submitter. Criteria: Invitae Variant Classification Sherloc (09022015). Collection method: clinical testing. Allele origin: germline.
Comment: This sequence change falls in intron 14 of the GAA gene. It does not directly change the encoded amino acid sequence of the GAA protein, but it affects a nucleotide within the consensus splice site of the intron. This variant is not present in population databases (ExAC no frequency). This variant has not been reported in the literature in individuals with GAA-related disease. Nucleotide substitutions within the consensus splice site are a relatively common cause of aberrant splicing (PMID: 17576681, 9536098). Algorithms developed to predict the effect of sequence changes on RNA splicing suggest that this variant is not likely to affect RNA splicing, but this prediction has not been confirmed by published transcriptional studies. In summary, the available evidence is currently insufficient to determine the role of this variant in disease. Therefore, it has been classified as a Variant of Uncertain Significance.

Natera, Inc.
Classification: Uncertain significance for Glycogen storage disease type II. Last evaluated: 2020-10-23. Review status: no assertion criteria provided. Collection method: clinical testing. Allele origin: germline. Not counted in ClinVar's aggregate classification.